The following is an entry in ClinVar:

NM_016247.4(IMPG2):c.2517G>A (p.Ser839=)

Gene: IMPG2 (interphotoreceptor matrix proteoglycan 2; minus strand). Cytogenetic location: 3q12.3.
Variant type: single nucleotide variant.
Coding change: c.2517G>A on transcript NM_016247.4 (MANE Select); coding-DNA position 2517, G replaced by A.
Protein change: p.Ser839=; no amino-acid change (serine 839 retained).
Molecular consequence: synonymous variant.
Genome position (GRCh38, 1-based): chr3:101,243,814, C>T on the plus strand (G>A on the coding strand, the complement: IMPG2 is on the minus strand). VCF-style: chr3-101243814-C-T. GRCh37 (hg19) VCF-style: chr3-100962658-C-T.
Other names: c.2517G>A (NM_016247.3).
Identifiers: ClinVar variation 3027554 (VCV003027554.3), dbSNP rs765258879, ClinGen allele CA2518960.

ClinVar aggregate classification (germline): Uncertain significance. Review status: criteria provided, single submitter (1 of 4 stars). 2 submissions from 2 submitters: Uncertain significance (1). 1 of the submissions does not count toward it. Last evaluated 2023-10-01.

Conditions:
IMPG2-related disorder. Also called: IMPG2-related condition.
Retinal dystrophy. Also called: Inherited retinal dystrophy. Identifiers: Orphanet 71862, MedGen C0854723, MeSH D058499, MONDO:0019118, HP:0000556.

Allele frequency attached by ClinVar (database versions not stated): ExAC 0.00002; gnomAD 0.00003; TOPMed 0.00003.
gnomAD v4.1: 23 of 1,614,024 alleles (0.0014%); highest among the groups gnomAD compares: East Asian, 0.0089%; no homozygotes.

Submissions (2):

Dept Of Ophthalmology, Nagoya University
Classification: Uncertain significance for Retinal dystrophy. Last evaluated: 2023-10-01. Review status: criteria provided, single submitter. Criteria: Submitter's publication. Collection method: research. Allele origin: germline. Affected: yes.

PreventionGenetics, part of Exact Sciences
Classification: Likely benign for IMPG2-related condition. Last evaluated: 2019-02-21. Review status: no assertion criteria provided. Collection method: clinical testing. Allele origin: germline. Not counted in ClinVar's aggregate classification.
Comment: This variant is classified as likely benign based on ACMG/AMP sequence variant interpretation guidelines (Richards et al. 2015 PMID: 25741868, with internal and published modifications).